The following is an entry in ClinVar:

NM_001017989.3(OPA3):c.458G>A (p.Arg153His)

Genes: OPA3 (outer mitochondrial membrane lipid metabolism regulator OPA3; minus strand), OPA3-RTN2 (OPA3-RTN2 readthrough; minus strand). Cytogenetic location: 19q13.32.
Variant type: single nucleotide variant.
Coding change: c.458G>A on transcript NM_001017989.3; coding-DNA position 458, G replaced by A.
Protein change: p.Arg153His; replaces arginine 153 with histidine.
Molecular consequence: missense variant.
Genome position (GRCh38, 1-based): chr19:45,529,141, C>T on the plus strand (G>A on the coding strand, the complement: OPA3 is on the minus strand). VCF-style: chr19-45529141-C-T. GRCh37 (hg19) VCF-style: chr19-46032399-C-T.
Other names: short protein forms R153H.
Identifiers: ClinVar variation 2394685 (VCV002394685.2), dbSNP rs539903027, ClinGen allele CA9517273.

ClinVar aggregate classification (germline): Uncertain significance (1 of 4 stars; one submission).

Conditions:
Inborn genetic diseases. Identifiers: MedGen C0950123, MeSH D030342.

Allele frequency attached by ClinVar (database versions not stated): gnomAD exomes 0.00003; gnomAD 0.00005; ExAC 0.00002; TOPMed 0.00006.
gnomAD v4.1: 52 of 1,609,308 alleles (0.0032%); highest among the groups gnomAD compares: Admixed American, 0.005%; no homozygotes.

Submission:

Ambry Genetics
Classification: Uncertain significance for Inborn genetic diseases. Last evaluated: 2022-05-10. Review status: criteria provided, single submitter. Criteria: Ambry Variant Classification Scheme 2023. Collection method: clinical testing. Allele origin: germline.
Comment: Unlikely to be causative of OPA3-related optic atrophy with cataract (AD) Based on insufficient or conflicting evidence, the clinical significance of this alteration remains unclear.